The following is an entry in ClinVar:

ClinVar aggregate classification (germline): Likely benign. Review status: criteria provided, single submitter (1 of 4 stars). 2 submissions from 2 submitters: Likely benign (1). 1 of the submissions does not count toward it. Last evaluated 2025-08-21.

Conditions:
SPTBN2-related disorder. Also called: SPTBN2-related condition.

Allele frequency attached by ClinVar (database versions not stated): ExAC 0.00001; gnomAD exomes 0.00001; gnomAD 0.00003; TOPMed 0.00003; ESP Exome Variant Server 0.00008.
gnomAD v4.1: 23 of 1,611,802 alleles (0.0014%); highest among the groups gnomAD compares: East Asian, 0.0022%; no homozygotes.

Submissions (2):

Labcorp Genetics (formerly Invitae), Labcorp
Classification: Likely benign. Last evaluated: 2025-08-21. Review status: criteria provided, single submitter. Criteria: Invitae Variant Classification Sherloc (09022015). Collection method: clinical testing. Allele origin: germline.

PreventionGenetics, part of Exact Sciences
Classification: Likely benign for SPTBN2-related condition. Last evaluated: 2023-11-29. Review status: no assertion criteria provided. Collection method: clinical testing. Allele origin: germline. Not counted in ClinVar's aggregate classification.
Comment: This variant is classified as likely benign based on ACMG/AMP sequence variant interpretation guidelines (Richards et al. 2015 PMID: 25741868, with internal and published modifications).

NM_006946.4(SPTBN2):c.6642G>A (p.Glu2214=)

Gene: SPTBN2 (spectrin beta, non-erythrocytic 2; minus strand). Cytogenetic location: 11q13.2.
Variant type: single nucleotide variant.
Coding change: c.6642G>A on transcript NM_006946.4 (MANE Select); coding-DNA position 6642, G replaced by A.
Protein change: p.Glu2214=; no amino-acid change (glutamic acid 2214 retained).
Molecular consequence: synonymous variant.
Genome position (GRCh38, 1-based): chr11:66,687,507, C>T on the plus strand (G>A on the coding strand, the complement: SPTBN2 is on the minus strand). VCF-style: chr11-66687507-C-T. GRCh37 (hg19) VCF-style: chr11-66454978-C-T.
Other names: c.6642G>A (NM_006946.2).
Identifiers: ClinVar variation 1589212 (VCV001589212.10), dbSNP rs373673230, ClinGen allele CA6127840.